The following is an entry in ClinVar:

ClinVar aggregate classification (germline): Uncertain significance (1 of 4 stars; one submission).

Conditions:
Primary dilated cardiomyopathy (DCM). Also called: Dilated Cardiomyopathy. Identifiers: Orphanet 217604, MedGen C0007193, MeSH D002311, MONDO:0005021, HP:0001644. Inheritance: Various modes of inheritance.

Submission:

Labcorp Genetics (formerly Invitae), Labcorp
Classification: Uncertain significance for Primary dilated cardiomyopathy. Last evaluated: 2024-02-25. Review status: criteria provided, single submitter. Criteria: Invitae Variant Classification Sherloc (09022015). Collection method: clinical testing. Allele origin: germline.
Comment: This variant, c.42_47del, results in the deletion of 2 amino acid(s) of the TXNRD2 protein (p.Phe15_Arg16del ), but otherwise preserves the integrity of the reading frame. This variant is not present in population databases (gnomAD no frequency). This variant has not been reported in the literature in individuals affected with TXNRD2-related conditions. Experimental studies and prediction algorithms are not available or were not evaluated, and the functional significance of this variant is currently unknown. In summary, the available evidence is currently insufficient to determine the role of this variant in disease. Therefore, it has been classified as a Variant of Uncertain Significance.

NM_006440.5(TXNRD2):c.42_47del (p.Phe15_Arg16del)

Genes: TXNRD2 (thioredoxin reductase 2; minus strand), LOC130066960 (ATAC-STARR-seq lymphoblastoid silent region 13467; plus strand). Cytogenetic location: 22q11.21.
Variant type: Deletion.
Coding change: c.42_47del on transcript NM_006440.5 (MANE Select); coding-DNA positions 42 to 47, 6 bases deleted (CTTCCG; older notation c.42_47delCTTCCG).
Protein change: p.Phe15_Arg16del.
Molecular consequence: inframe deletion. On other transcripts: non-coding transcript variant (1).
Genome position (GRCh38, 1-based): chr22:19,941,757-19,941,762, CGGAAG deleted on the plus strand (CTTCCG on the coding strand, the reverse complement: TXNRD2 is on the minus strand); deleting any 6 consecutive bases within chr22:19,941,757-19,941,764 gives the same sequence; the c. name uses the placement nearest the transcript's 3' end. VCF-style (leftmost placement, unchanged base first): chr22-19941756-CCGGAAG-C. GRCh37 (hg19) VCF-style: chr22-19929279-CCGGAAG-C.
Other names: c.42_47del, p.Phe15_Arg16del (NM_001282512.3, NM_001352300.2); c.-230_-225delGAAGCG (NM_000754.3).
Identifiers: ClinVar variation 3678152 (VCV003678152.2).